The following is an entry in ClinVar:

ClinVar aggregate classification (germline): Pathogenic. Review status: criteria provided, multiple submitters, no conflicts (2 of 4 stars). 2 submissions from 2 submitters: Pathogenic (2). Last evaluated 2024-10-19.

Conditions:
Cardiovascular phenotype. Identifiers: MedGen CN230736.

Submissions (2):

Labcorp Genetics (formerly Invitae), Labcorp
Classification: Pathogenic. Last evaluated: 2024-10-19. Review status: criteria provided, single submitter. Criteria: Invitae Variant Classification Sherloc (09022015). Collection method: clinical testing. Allele origin: germline.
Comment: This sequence change creates a premature translational stop signal (p.Val76Glyfs*24) in the LOX gene. It is expected to result in an absent or disrupted protein product. Loss-of-function variants in LOX are known to be pathogenic (PMID: 12417550, 26838787, 27432961). This variant is not present in population databases (gnomAD no frequency). This variant has not been reported in the literature in individuals affected with LOX-related conditions. ClinVar contains an entry for this variant (Variation ID: 1785898). For these reasons, this variant has been classified as Pathogenic.

Ambry Genetics
Classification: Pathogenic for Cardiovascular phenotype. Last evaluated: 2024-05-17. Review status: criteria provided, single submitter. Criteria: Ambry Variant Classification Scheme 2023. Collection method: clinical testing. Allele origin: germline.
Comment: The c.210_226dup17 pathogenic mutation, located in coding exon 1 of the LOX gene, results from a duplication of GGACCCGGGCGCCGCCG at nucleotide positions 210 to 226, causing a translational frameshift with a predicted alternate stop codon (p.V76Gfs*24). This variant is considered to be rare based on population cohorts in the Genome Aggregation Database (gnomAD). This alteration is expected to result in loss of function by premature protein truncation or nonsense-mediated mRNA decay. As such, this alteration is interpreted as a disease-causing mutation.

Literature cited by the submitters: PubMed 12417550 (cited by Labcorp Genetics (formerly Invitae), Labcorp); PubMed 26838787 (cited by Labcorp Genetics (formerly Invitae), Labcorp); PubMed 27432961 (cited by Labcorp Genetics (formerly Invitae), Labcorp).

NM_002317.7(LOX):c.210_226dup (p.Val76fs)

Genes: LOX (lysyl oxidase; minus strand), SRFBP1 (serum response factor binding protein 1; plus strand). Cytogenetic location: 5q23.1.
Variant type: Duplication.
Coding change: c.210_226dup on transcript NM_002317.7 (MANE Select); coding-DNA positions 210 to 226, 17 bases duplicated (GGACCCGGGCGCCGCCG).
Protein change: p.Val76fs; shifts the reading frame from valine 76.
Molecular consequence: frameshift variant.
Genome position (GRCh38, 1-based): chr5:122,077,760-122,077,776, CGGCGGCGCCCGGGTCC duplicated on the plus strand (GGACCCGGGCGCCGCCG on the coding strand, the reverse complement: LOX is on the minus strand); duplicating any 17 consecutive bases within chr5:122,077,760-122,077,785 gives the same sequence; the c. name uses the placement nearest the transcript's 3' end. VCF-style (leftmost placement, unchanged base first): chr5-122077759-A-ACGGCGGCGCCCGGGTCC. GRCh37 (hg19) VCF-style: chr5-121413454-A-ACGGCGGCGCCCGGGTCC.
Other names: short protein forms V76fs.
Identifiers: ClinVar variation 1785898 (VCV001785898.6), dbSNP rs2532917759, ClinGen allele CA2580072455.
Genomic context (GRCh38, chr5:122,077,759, plus strand): 5'-TCGCGGATCAGCAGGATCGGAGTGCGGGGCTGCTGGGCGGAGGCGTTGGCTGCACCAGGG[A>ACGGCGGCGCCCGGGTCC]CGGCGGCGCCCGGGTCCCGGCGGCGCTGAGGCTGGTACTGTGAGCCCAGGCTCAGCAAGC-3'